The following is an entry in ClinVar:

NM_177438.3(DICER1):c.5530A>G (p.Lys1844Glu)

Gene: DICER1 (dicer 1, ribonuclease III; minus strand). Cytogenetic location: 14q32.13.
Variant type: single nucleotide variant.
Coding change: c.5530A>G on transcript NM_177438.3 (MANE Select); coding-DNA position 5530, A replaced by G.
Protein change: p.Lys1844Glu; replaces lysine 1844 with glutamic acid.
Molecular consequence: missense variant. On other transcripts: synonymous variant (1).
Genome position (GRCh38, 1-based): chr14:95,091,107, T>C on the plus strand (A>G on the coding strand, the complement: DICER1 is on the minus strand). VCF-style: chr14-95091107-T-C. GRCh37 (hg19) VCF-style: chr14-95557444-T-C.
Other names: c.5367A>G, p.Lys1789= (NM_001195573.1); c.5530A>G, p.Lys1844Glu (NM_001271282.3, NM_001291628.2, NM_030621.4); short protein forms K1844E.
Identifiers: ClinVar variation 483443 (VCV000483443.5), dbSNP rs1555366112, ClinGen allele CA390864432.

ClinVar aggregate classification (germline): Uncertain significance (1 of 4 stars; one submission).

Conditions:
Hereditary cancer-predisposing syndrome. Also called: Neoplastic Syndromes, Hereditary; Tumor predisposition; Hereditary Cancer Syndrome; Hereditary neoplastic syndrome. Identifiers: Orphanet 140162, MedGen C0027672, MeSH D009386, MONDO:0015356.

Allele frequency attached by ClinVar (database versions not stated): gnomAD exomes below 0.00001.
gnomAD v4.1: 1 of 1,614,124 alleles (0.000062%); highest among the groups gnomAD compares: Non-Finnish European, 0.000085%; no homozygotes.

Submission:

Ambry Genetics
Classification: Uncertain significance for Hereditary cancer-predisposing syndrome. Last evaluated: 2017-06-12. Review status: criteria provided, single submitter. Criteria: Ambry Variant Classification Scheme 2023. Collection method: clinical testing. Allele origin: germline.
Comment: The p.K1844E variant (also known as c.5530A>G), located in coding exon 25 of the DICER1 gene, results from an A to G substitution at nucleotide position 5530. The lysine at codon 1844 is replaced by glutamic acid, an amino acid with similar properties. This amino acid position is highly conserved in available vertebrate species. In addition, this alteration is predicted to be deleterious by in silico analysis. Since supporting evidence is limited at this time, the clinical significance of this alteration remains unclear.